The following is an entry in ClinVar:

NM_013382.7(POMT2):c.*5A>T

Gene: POMT2 (protein O-mannosyltransferase 2; minus strand). Cytogenetic location: 14q24.3.
Variant type: single nucleotide variant.
Coding change: c.*5A>T on transcript NM_013382.7 (MANE Select); 5 bases downstream of the stop codon, A replaced by T.
Molecular consequence: 3 prime UTR variant.
Genome position (GRCh38, 1-based): chr14:77,277,371, T>A on the plus strand (A>T on the coding strand, the complement: POMT2 is on the minus strand). VCF-style: chr14-77277371-T-A. GRCh37 (hg19) VCF-style: chr14-77743714-T-A.
Identifiers: ClinVar variation 4823471 (VCV004823471.4).

ClinVar aggregate classification (germline): Likely benign (1 of 4 stars; one submission).

Submission:

CeGaT Center for Human Genetics Tuebingen
Classification: Likely benign. Last evaluated: 2026-02-01. Review status: criteria provided, single submitter. Criteria: CeGaT Center For Human Genetics Tuebingen Variant Classification Criteria Version 2. Collection method: clinical testing. Allele origin: germline. Affected: yes. Observed: 1 variant allele.
Comment: POMT2: PM2:Supporting, BP4, BP7